The following is an entry in ClinVar:

ClinVar aggregate classification (germline): Uncertain significance. Review status: criteria provided, multiple submitters, no conflicts (2 of 4 stars). 3 submissions from 3 submitters: Uncertain significance (3). Last evaluated 2026-07-03.

Conditions:
Inborn genetic diseases. Identifiers: MedGen C0950123, MeSH D030342.
Progressive microcephaly-seizures-cortical blindness-developmental delay syndrome. Also called: Seizures, cortical blindness, and microcephaly syndrome. Identifiers: Orphanet 477814, MedGen C5567650, MONDO:0014714, OMIM 616632.
Autosomal dominant nonsyndromic hearing loss 1. Also called: KONIGSMARK SYNDROME; DEAFNESS, AUTOSOMAL DOMINANT 1, WITH OR WITHOUT THROMBOCYTOPENIA. Identifiers: Orphanet 90635, MedGen C1852282, MONDO:0007424, OMIM 124900.

Allele frequency attached by ClinVar (database versions not stated): gnomAD exomes below 0.00001.

Submissions (3):

Ambry Genetics
Classification: Uncertain significance for Inborn genetic diseases. Last evaluated: 2026-07-03. Review status: criteria provided, single submitter. Criteria: Ambry Variant Classification Scheme 2023. Collection method: clinical testing. Allele origin: germline.

GeneDx
Classification: Uncertain significance. Last evaluated: 2025-02-03. Review status: criteria provided, single submitter. Criteria: GeneDx Variant Classification Process June 2021. Collection method: clinical testing. Allele origin: germline. Affected: yes.
Comment: Not observed at significant frequency in large population cohorts (gnomAD); In silico analysis supports that this missense variant has a deleterious effect on protein structure/function; Has not been previously published as pathogenic or benign to our knowledge

Labcorp Genetics (formerly Invitae), Labcorp
Classification: Uncertain significance for Progressive microcephaly-seizures-cortical blindness-developmental delay syndrome; Autosomal dominant nonsyndromic hearing loss 1. Last evaluated: 2024-07-08. Review status: criteria provided, single submitter. Criteria: Invitae Variant Classification Sherloc (09022015). Collection method: clinical testing. Allele origin: germline.
Comment: This sequence change replaces proline, which is neutral and non-polar, with serine, which is neutral and polar, at codon 717 of the DIAPH1 protein (p.Pro717Ser). This variant is not present in population databases (gnomAD no frequency). This variant has not been reported in the literature in individuals affected with DIAPH1-related conditions. ClinVar contains an entry for this variant (Variation ID: 950834). Experimental studies and prediction algorithms are not available or were not evaluated, and the functional significance of this variant is currently unknown. In summary, the available evidence is currently insufficient to determine the role of this variant in disease. Therefore, it has been classified as a Variant of Uncertain Significance.

NM_005219.5(DIAPH1):c.2149C>T (p.Pro717Ser)

Gene: DIAPH1 (diaphanous related formin 1; minus strand). Cytogenetic location: 5q31.3.
Variant type: single nucleotide variant.
Coding change: c.2149C>T on transcript NM_005219.5 (MANE Select); coding-DNA position 2149, C replaced by T.
Protein change: p.Pro717Ser; replaces proline 717 with serine.
Molecular consequence: missense variant.
Genome position (GRCh38, 1-based): chr5:141,573,701, G>A on the plus strand (C>T on the coding strand, the complement: DIAPH1 is on the minus strand). VCF-style: chr5-141573701-G-A. GRCh37 (hg19) VCF-style: chr5-140953268-G-A.
Other names: c.2122C>T, p.Pro708Ser (NM_001079812.3); c.2149C>T, p.Pro717Ser (NM_001314007.2); short protein forms P708S, P717S.
Identifiers: ClinVar variation 950834 (VCV000950834.12), dbSNP rs2099895535, ClinGen allele CA361517747.